The following is an entry in ClinVar:

NM_001082971.2(DDC):c.685G>C (p.Asp229His)

Gene: DDC (dopa decarboxylase; minus strand). Cytogenetic location: 7p12.1.
Variant type: single nucleotide variant.
Coding change: c.685G>C on transcript NM_001082971.2 (MANE Select); coding-DNA position 685, G replaced by C.
Protein change: p.Asp229His; replaces aspartic acid 229 with histidine.
Molecular consequence: missense variant. On other transcripts: intron variant (2).
Genome position (GRCh38, 1-based): chr7:50,528,166, C>G on the plus strand (G>C on the coding strand, the complement: DDC is on the minus strand). VCF-style: chr7-50528166-C-G. GRCh37 (hg19) VCF-style: chr7-50595864-C-G.
Other names: c.685G>C, p.Asp229His (NM_000790.4, NM_001242890.2); c.571G>C, p.Asp191His (NM_001242886.2); c.451G>C, p.Asp151His (NM_001242888.2); c.435+9694G>C (NM_001242889.2); c.570+1042G>C (NM_001242887.2); short protein forms D151H, D191H, D229H.
Identifiers: ClinVar variation 1992554 (VCV001992554.4), dbSNP rs951103511, ClinGen allele CA158232781.

ClinVar aggregate classification (germline): Uncertain significance (1 of 4 stars; one submission).

Conditions:
Deficiency of aromatic-L-amino-acid decarboxylase. Also called: DDC DEFICIENCY; DOPA DECARBOXYLASE DEFICIENCY; Aromatic L-Amino Acid Decarboxylase Deficiency; AADC DEFICIENCY; Aromatic amino acid decarboxylase deficiency. Identifiers: Orphanet 35708, MedGen C1291564, MONDO:0012084, OMIM 608643.

Allele frequency attached by ClinVar (database versions not stated): gnomAD 0.00001; TOPMed 0.00001.
gnomAD v4.1: 1 of 1,613,472 alleles (0.000062%); highest among the groups gnomAD compares: African/African-American, 0.0013%; no homozygotes.

Submission:

Labcorp Genetics (formerly Invitae), Labcorp
Classification: Uncertain significance for Deficiency of aromatic-L-amino-acid decarboxylase. Last evaluated: 2022-05-09. Review status: criteria provided, single submitter. Criteria: Invitae Variant Classification Sherloc (09022015). Collection method: clinical testing. Allele origin: germline.
Comment: Algorithms developed to predict the effect of missense changes on protein structure and function (SIFT, PolyPhen-2, Align-GVGD) all suggest that this variant is likely to be disruptive. In summary, the available evidence is currently insufficient to determine the role of this variant in disease. Therefore, it has been classified as a Variant of Uncertain Significance. This variant has not been reported in the literature in individuals affected with DDC-related conditions. This variant is not present in population databases (gnomAD no frequency). This sequence change replaces aspartic acid, which is acidic and polar, with histidine, which is basic and polar, at codon 229 of the DDC protein (p.Asp229His).